The following is an entry in ClinVar:

ClinVar aggregate classification (germline): Uncertain significance (1 of 4 stars; one submission).

Conditions:
Hypogonadotropic hypogonadism 1 with or without anosmia (HH1). Also called: Kallmann syndrome, type 1, X-linked; DYSPLASIA OLFACTOGENITALIS OF DE MORSIER; Hypogonadotropic hypogonadism 1 with or without anosmia (Kallmann syndrome 1); HYPOGONADOTROPIC HYPOGONADISM 1 WITH ANOSMIA; KAL1-Related GnRH Deficiency (Kallmann Syndrome 1; Kallmann Syndrome, X-Linked); HYPOGONADOTROPIC HYPOGONADISM AND ANOSMIA. Identifiers: Orphanet 478, MedGen C1563719, MONDO:0010635, OMIM 308700. Disease mechanism: loss of function.

Submission:

Labcorp Genetics (formerly Invitae), Labcorp
Classification: Uncertain significance for Hypogonadotropic hypogonadism 1 with or without anosmia. Last evaluated: 2021-08-17. Review status: criteria provided, single submitter. Criteria: Invitae Variant Classification Sherloc (09022015). Collection method: clinical testing. Allele origin: germline.
Comment: In summary, the available evidence is currently insufficient to determine the role of this variant in disease. Therefore, it has been classified as a Variant of Uncertain Significance. Variants that disrupt the consensus splice site are a relatively common cause of aberrant splicing (PMID: 17576681, 9536098). Algorithms developed to predict the effect of sequence changes on RNA splicing suggest that this variant may disrupt the consensus splice site. This variant has not been reported in the literature in individuals affected with ANOS1-related conditions. This variant is not present in population databases (ExAC no frequency). This sequence change falls in intron 3 of the ANOS1 gene. It does not directly change the encoded amino acid sequence of the ANOS1 protein. It affects a nucleotide within the consensus splice site of the intron.

Literature cited by the submitters: PubMed 17576681; PubMed 9536098.

NM_000216.4(ANOS1):c.318+3del

Gene: ANOS1 (anosmin 1; minus strand). Cytogenetic location: Xp22.31.
Variant type: Deletion.
Coding change: c.318+3del on transcript NM_000216.4 (MANE Select); 3 bases into the intron after coding-DNA position 318, one base deleted (A; older notation c.318+3delA).
Molecular consequence: intron variant.
Genome position (GRCh38, 1-based): chrX:8,623,605, T deleted on the plus strand (A on the coding strand, the reverse complement: ANOS1 is on the minus strand). VCF-style (leftmost placement, unchanged base first): chrX-8623604-CT-C. GRCh37 (hg19) VCF-style: chrX-8591645-CT-C.
Identifiers: ClinVar variation 1411906 (VCV001411906.6), dbSNP rs2146846669, ClinGen allele CA2573159504.